The following is an entry in ClinVar:

NM_020937.4(FANCM):c.4820G>A (p.Cys1607Tyr)

Gene: FANCM (FA complementation group M; plus strand). Cytogenetic location: 14q21.2.
Variant type: single nucleotide variant.
Coding change: c.4820G>A on transcript NM_020937.4 (MANE Select); coding-DNA position 4820, G replaced by A.
Protein change: p.Cys1607Tyr; replaces cysteine 1607 with tyrosine.
Molecular consequence: missense variant.
Genome position (GRCh38, 1-based): chr14:45,188,842, G>A. VCF-style: chr14-45188842-G-A. GRCh37 (hg19) VCF-style: chr14-45658045-G-A.
Other names: c.4742G>A, p.Cys1581Tyr (NM_001308133.2); short protein forms C1581Y, C1607Y.
Identifiers: ClinVar variation 939722 (VCV000939722.8), dbSNP rs769869730, ClinGen allele CA7169865.

ClinVar aggregate classification (germline): Uncertain significance. Review status: criteria provided, multiple submitters, no conflicts (2 of 4 stars). 2 submissions from 2 submitters: Uncertain significance (2). Last evaluated 2025-04-18.

Conditions:
Fanconi anemia (FA). Also called: Fanconi's anemia. Identifiers: Orphanet 84, MedGen C0015625, MeSH D005199, MONDO:0019391.

Allele frequency attached by ClinVar (database versions not stated): TOPMed below 0.00001; ExAC 0.00001; gnomAD exomes 0.00001 and 0.00004.
gnomAD v4.1: 13 of 1,613,416 alleles (0.00081%); highest among the groups gnomAD compares: Admixed American, 0.017%; no homozygotes.

Submissions (2):

Labcorp Genetics (formerly Invitae), Labcorp
Classification: Uncertain significance for Fanconi anemia. Last evaluated: 2025-04-18. Review status: criteria provided, single submitter. Criteria: Invitae Variant Classification Sherloc (09022015). Collection method: clinical testing. Allele origin: germline.
Comment: This sequence change replaces cysteine, which is neutral and slightly polar, with tyrosine, which is neutral and polar, at codon 1607 of the FANCM protein (p.Cys1607Tyr). This variant is present in population databases (rs769869730, gnomAD 0.03%). This variant has not been reported in the literature in individuals affected with FANCM-related conditions. ClinVar contains an entry for this variant (Variation ID: 939722). An algorithm developed to predict the effect of missense changes on protein structure and function (PolyPhen-2) suggests that this variant is likely to be disruptive. In summary, the available evidence is currently insufficient to determine the role of this variant in disease. Therefore, it has been classified as a Variant of Uncertain Significance.

GeneDx
Classification: Uncertain significance. Last evaluated: 2023-05-01. Review status: criteria provided, single submitter. Criteria: GeneDx Variant Classification Process June 2021. Collection method: clinical testing. Allele origin: germline. Affected: yes.
Comment: In silico analysis supports that this missense variant has a deleterious effect on protein structure/function; Has not been previously published as pathogenic or benign to our knowledge